The following is an entry in ClinVar:

NM_031220.4(PITPNM3):c.652G>A (p.Ala218Thr)

Gene: PITPNM3 (PITPNM family member 3; minus strand). Cytogenetic location: 17p13.2.
Variant type: single nucleotide variant.
Coding change: c.652G>A on transcript NM_031220.4 (MANE Select); coding-DNA position 652, G replaced by A.
Protein change: p.Ala218Thr; replaces alanine 218 with threonine.
Molecular consequence: missense variant.
Genome position (GRCh38, 1-based): chr17:6,478,672, C>T on the plus strand (G>A on the coding strand, the complement: PITPNM3 is on the minus strand). VCF-style: chr17-6478672-C-T. GRCh37 (hg19) VCF-style: chr17-6381992-C-T.
Other names: c.544G>A, p.Ala182Thr (NM_001165966.2); short protein forms A182T, A218T.
Identifiers: ClinVar variation 3654807 (VCV003654807.2).

ClinVar aggregate classification (germline): Uncertain significance (1 of 4 stars; one submission).

gnomAD v4.1: 3 of 1,612,088 alleles (0.00019%); highest among the groups gnomAD compares: Non-Finnish European, 0.00025%; no homozygotes.

Submission:

Labcorp Genetics (formerly Invitae), Labcorp
Classification: Uncertain significance. Last evaluated: 2024-05-27. Review status: criteria provided, single submitter. Criteria: Invitae Variant Classification Sherloc (09022015). Collection method: clinical testing. Allele origin: germline.
Comment: This sequence change replaces alanine, which is neutral and non-polar, with threonine, which is neutral and polar, at codon 218 of the PITPNM3 protein (p.Ala218Thr). This variant is not present in population databases (gnomAD no frequency). This variant has not been reported in the literature in individuals affected with PITPNM3-related conditions. Advanced modeling of protein sequence and biophysical properties (such as structural, functional, and spatial information, amino acid conservation, physicochemical variation, residue mobility, and thermodynamic stability) performed at Invitae indicates that this missense variant is not expected to disrupt PITPNM3 protein function with a negative predictive value of 80%. In summary, the available evidence is currently insufficient to determine the role of this variant in disease. Therefore, it has been classified as a Variant of Uncertain Significance.